The following is an entry in ClinVar:

NM_000540.3(RYR1):c.11539G>C (p.Glu3847Gln)

Gene: RYR1 (ryanodine receptor 1; plus strand). Cytogenetic location: 19q13.2.
Variant type: single nucleotide variant.
Coding change: c.11539G>C on transcript NM_000540.3 (MANE Select); coding-DNA position 11539, G replaced by C.
Protein change: p.Glu3847Gln; replaces glutamic acid 3847 with glutamine.
Molecular consequence: missense variant.
Genome position (GRCh38, 1-based): chr19:38,536,019, G>C. VCF-style: chr19-38536019-G-C. GRCh37 (hg19) VCF-style: chr19-39026659-G-C.
Other names: c.11524G>C, p.Glu3842Gln (NM_001042723.2); short protein forms E3842Q, E3847Q.
Identifiers: ClinVar variation 1901001 (VCV001901001.7), dbSNP rs756686928, ClinGen allele CA057105.

ClinVar aggregate classification (germline): Uncertain significance. Review status: criteria provided, multiple submitters, no conflicts (2 of 4 stars). 2 submissions from 2 submitters: Uncertain significance (2). Last evaluated 2025-08-20.

Conditions:
Congenital multicore myopathy with external ophthalmoplegia (CMYO1B). Also called: MULTICORE MYOPATHY; Minicore myopathy with external ophthalmoplegia; MULTIMINICORE DISEASE WITH EXTERNAL OPHTHALMOPLEGIA; Congenital myopathy 1B, autosomal recessive; Minicore myopathy. Identifiers: Orphanet 598, Orphanet 98905, MedGen C1850674, MONDO:0009712, OMIM 255320, HP:0003789.
RYR1-related disorder. Also called: RYR1-related condition; RYR1-related disorders. Identifiers: MedGen CN239331.

Allele frequency attached by ClinVar (database versions not stated): TOPMed 0.00001; gnomAD 0.00001; gnomAD exomes below 0.00001; ExAC 0.00003.
gnomAD v4.1: 4 of 1,613,836 alleles (0.00025%); highest among the groups gnomAD compares: African/African-American, 0.0053%; no homozygotes.

Submissions (2):

Dasa
Classification: Uncertain significance for Congenital multicore myopathy with external ophthalmoplegia. Last evaluated: 2025-08-20. Review status: criteria provided, single submitter. Criteria: DASA Assertion Criteria. Collection method: clinical testing. Allele origin: germline.
Comment: NM_000540.3(RYR1):c.11539G>C (p.Glu3847Gln) is a missense variant that results in the substitution of glutamic acid with glutamine. This variant is rare in population databases. Computational prediction algorithms are consistent with a deleterious effect. The currently available literature and clinical evidence are not sufficient to establish a definitive association between this variant and the reported condition. Therefore, this variant is classified as a variant of uncertain significance.

Labcorp Genetics (formerly Invitae), Labcorp
Classification: Uncertain significance for RYR1-related disorder. Last evaluated: 2024-03-18. Review status: criteria provided, single submitter. Criteria: Invitae Variant Classification Sherloc (09022015). Collection method: clinical testing. Allele origin: germline.
Comment: This sequence change replaces glutamic acid, which is acidic and polar, with glutamine, which is neutral and polar, at codon 3847 of the RYR1 protein (p.Glu3847Gln). This variant is present in population databases (rs756686928, gnomAD 0.03%). This variant has not been reported in the literature in individuals affected with RYR1-related conditions. ClinVar contains an entry for this variant (Variation ID: 1901001). Advanced modeling of protein sequence and biophysical properties (such as structural, functional, and spatial information, amino acid conservation, physicochemical variation, residue mobility, and thermodynamic stability) performed at Invitae indicates that this missense variant is expected to disrupt RYR1 protein function with a positive predictive value of 95%. In summary, the available evidence is currently insufficient to determine the role of this variant in disease. Therefore, it has been classified as a Variant of Uncertain Significance.